The following is an entry in ClinVar:

NM_022367.4(SEMA4A):c.81G>A (p.Pro27=)

Gene: SEMA4A (semaphorin 4A; plus strand). Cytogenetic location: 1q22.
Variant type: single nucleotide variant.
Coding change: c.81G>A on transcript NM_022367.4 (MANE Select); coding-DNA position 81, G replaced by A.
Protein change: p.Pro27=; no amino-acid change (proline 27 retained).
Molecular consequence: synonymous variant. On other transcripts: 5 prime UTR variant (1), intron variant (3).
Genome position (GRCh38, 1-based): chr1:156,154,659, G>A. VCF-style: chr1-156154659-G-A. GRCh37 (hg19) VCF-style: chr1-156124450-G-A.
Other names: c.81G>A, p.Pro27= (NM_001193300.2, NM_001193301.2, NM_001370567.1); c.-444G>A (NM_001370571.1); c.-385-1755G>A (NM_001370569.1); c.-158-1755G>A (NM_001370568.1); c.-159+895G>A (NM_001193302.2).
Identifiers: ClinVar variation 3051241 (VCV003051241.3), dbSNP rs777184442, ClinGen allele CA1154894.

ClinVar aggregate classification (germline): Likely benign. Review status: criteria provided, single submitter (1 of 4 stars). 2 submissions from 2 submitters: Likely benign (1). 1 of the submissions does not count toward it. Last evaluated 2021-06-14.

Conditions:
SEMA4A-related disorder. Also called: SEMA4A-related condition.

Allele frequency attached by ClinVar (database versions not stated): gnomAD exomes 0.00002; TOPMed 0.00002; ExAC 0.00007.
gnomAD v4.1: 27 of 1,604,920 alleles (0.0017%); highest among the groups gnomAD compares: South Asian, 0.009%; no homozygotes.

Submissions (2):

Blueprint Genetics
Classification: Likely benign. Last evaluated: 2021-06-14. Review status: criteria provided, single submitter. Criteria: ACMG Guidelines, 2015. Collection method: clinical testing. Allele origin: germline.

PreventionGenetics, part of Exact Sciences
Classification: Likely benign for SEMA4A-related condition. Last evaluated: 2020-01-21. Review status: no assertion criteria provided. Collection method: clinical testing. Allele origin: germline. Not counted in ClinVar's aggregate classification.
Comment: This variant is classified as likely benign based on ACMG/AMP sequence variant interpretation guidelines (Richards et al. 2015 PMID: 25741868, with internal and published modifications).